The following is an entry in ClinVar:

ClinVar aggregate classification (germline): Pathogenic. Review status: criteria provided, multiple submitters, no conflicts (2 of 4 stars). 2 submissions from 2 submitters: Pathogenic (2). Last evaluated 2025-03-04.

Conditions:
Wilms tumor 1 (WT1). Also called: Wilms tumor, somatic. Identifiers: Orphanet 654, MedGen CN033288, MONDO:0008679, OMIM 194070.

Submissions (2):

Center for Genomic Medicine, Rigshospitalet, Copenhagen University Hospital
Classification: Pathogenic. Last evaluated: 2025-03-04. Review status: criteria provided, single submitter. Criteria: ACMG Guidelines, 2015. Collection method: clinical testing. Allele origin: germline.

Department of Clinical Genetics, Copenhagen University Hospital, Rigshospitalet
Classification: Pathogenic for Wilms tumor 1. Last evaluated: 2025-02-04. Review status: criteria provided, single submitter. Criteria: ACMG Guidelines, 2015. Collection method: clinical testing. Allele origin: germline.
Comment: The following ACMG criteria have been used in classification: PM2_SUP; PVS1; PP1

Literature cited by the submitters: PubMed 15150775 (cited by Center for Genomic Medicine, Rigshospitalet, Copenhagen University Hospital).

NM_024426.6(WT1):c.634G>T (p.Glu212Ter)

Genes: WT1 (WT1 transcription factor; minus strand), LOC107982234 (WT1/WT1-AS bi-directional promoter region; plus strand). Cytogenetic location: 11p13.
Variant type: single nucleotide variant.
Coding change: c.634G>T on transcript NM_024426.6 (MANE Select); coding-DNA position 634, G replaced by T.
Protein change: p.Glu212Ter; replaces glutamic acid 212 with a stop codon.
Molecular consequence: nonsense. On other transcripts: non-coding transcript variant (2).
Genome position (GRCh38, 1-based): chr11:32,434,727, C>A on the plus strand (G>T on the coding strand, the complement: WT1 is on the minus strand). VCF-style: chr11-32434727-C-A. GRCh37 (hg19) VCF-style: chr11-32456273-C-A.
Other names: c.634G>T, p.Glu212Ter (NM_000378.6, NM_001407044.1, NM_001407045.1 and 6 more transcripts); c.415G>T, p.Glu139Ter (NM_001429031.1, NM_001429032.1, NM_001429033.1 and 1 more transcripts); short protein forms E139*, E207*, E212*.
Identifiers: ClinVar variation 3602777 (VCV003602777.3).